The following is an entry in ClinVar:

NM_001256789.3(CACNA1F):c.1751G>A (p.Arg584His)

Gene: CACNA1F (calcium voltage-gated channel subunit alpha1 F; minus strand). Cytogenetic location: Xp11.23.
Variant type: single nucleotide variant.
Coding change: c.1751G>A on transcript NM_001256789.3 (MANE Select); coding-DNA position 1751, G replaced by A.
Protein change: p.Arg584His; replaces arginine 584 with histidine.
Molecular consequence: missense variant.
Genome position (GRCh38, 1-based): chrX:49,224,887, C>T on the plus strand (G>A on the coding strand, the complement: CACNA1F is on the minus strand). VCF-style: chrX-49224887-C-T. GRCh37 (hg19) VCF-style: chrX-49081349-C-T.
Other names: c.1589G>A, p.Arg530His (NM_001256790.3); c.1784G>A, p.Arg595His (NM_005183.4); short protein forms R595H, R530H, R584H.
Identifiers: ClinVar variation 916367 (VCV000916367.45), dbSNP rs781913575, ClinGen allele CA10410795.

ClinVar aggregate classification (germline): Uncertain significance. Review status: criteria provided, multiple submitters, no conflicts (2 of 4 stars). 2 submissions from 2 submitters: Uncertain significance (2). Last evaluated 2024-04-27.

Allele frequency attached by ClinVar (database versions not stated): ExAC 0.00001; TOPMed 0.00002; gnomAD 0.00004.
gnomAD v4.1: 30 of 1,205,089 alleles (0.0025%); highest among the groups gnomAD compares: African/African-American, 0.016%; no homozygotes.

Submissions (2):

Labcorp Genetics (formerly Invitae), Labcorp
Classification: Uncertain significance. Last evaluated: 2024-04-27. Review status: criteria provided, single submitter. Criteria: Invitae Variant Classification Sherloc (09022015). Collection method: clinical testing. Allele origin: germline.
Comment: This sequence change replaces arginine, which is basic and polar, with histidine, which is basic and polar, at codon 595 of the CACNA1F protein (p.Arg595His). This variant is present in population databases (rs781913575, gnomAD 0.01%). This variant has not been reported in the literature in individuals affected with CACNA1F-related conditions. ClinVar contains an entry for this variant (Variation ID: 916367). Advanced modeling of protein sequence and biophysical properties (such as structural, functional, and spatial information, amino acid conservation, physicochemical variation, residue mobility, and thermodynamic stability) performed at Invitae indicates that this missense variant is expected to disrupt CACNA1F protein function with a positive predictive value of 80%. In summary, the available evidence is currently insufficient to determine the role of this variant in disease. Therefore, it has been classified as a Variant of Uncertain Significance.

CeGaT Center for Human Genetics Tuebingen
Classification: Uncertain significance. Last evaluated: 2020-03-01. Review status: criteria provided, single submitter. Criteria: CeGaT Center For Human Genetics Tuebingen Variant Classification Criteria Version 2. Collection method: clinical testing. Allele origin: germline. Affected: yes. Observed: 1 variant allele.